The following is an entry in ClinVar:

NM_003743.5(NCOA1):c.24A>G (p.Ser8=)

Gene: NCOA1 (nuclear receptor coactivator 1; plus strand). Cytogenetic location: 2p23.3.
Variant type: single nucleotide variant.
Coding change: c.24A>G on transcript NM_003743.5 (MANE Select); coding-DNA position 24, A replaced by G.
Protein change: p.Ser8=; no amino-acid change (serine 8 retained).
Molecular consequence: synonymous variant.
Genome position (GRCh38, 1-based): chr2:24,658,701, A>G. VCF-style: chr2-24658701-A-G. GRCh37 (hg19) VCF-style: chr2-24881570-A-G.
Other names: c.24A>G, p.Ser8= (NM_001362950.1, NM_001362952.1, NM_001362954.1 and 3 more transcripts).
Identifiers: ClinVar variation 4992611 (VCV004992611.1).

ClinVar aggregate classification (germline): Likely benign (1 of 4 stars; one submission).

Conditions:
NCOA1-related disorder. Also called: NCOA1-related condition.

gnomAD v4.1: 1 of 1,614,070 alleles (0.000062%); highest among the groups gnomAD compares: Non-Finnish European, 0.000085%; no homozygotes.

Submission:

PreventionGenetics, part of Exact Sciences
Classification: Likely benign for NCOA1-related condition. Last evaluated: 2026-02-17. Review status: criteria provided, single submitter. Criteria: ACMG Guidelines, 2015. Collection method: clinical testing. Allele origin: germline.
Comment: This variant is classified as likely benign based on ACMG/AMP sequence variant interpretation guidelines (Richards et al. 2015 PMID: 25741868, with internal and published modifications).